The following is an entry in ClinVar:

ClinVar aggregate classification (germline): Conflicting classifications of pathogenicity. Review status: criteria provided, conflicting classifications (1 of 4 stars). 3 submissions from 3 submitters: Uncertain significance (1); Benign (1). 1 of the submissions does not count toward it. Last evaluated 2026-01-06.

Conditions:
Epileptic encephalopathy. Identifiers: MedGen C0543888, HP:0200134.
FASN-related disorder. Also called: FASN-related condition.

Allele frequency attached by ClinVar (database versions not stated): TOPMed 0.00147; gnomAD 0.00128; 1000 Genomes Project 30x 0.00172; ESP Exome Variant Server 0.00131; 1000 Genomes Project 0.00180.

Submissions (3):

Labcorp Genetics (formerly Invitae), Labcorp
Classification: Benign for Epileptic encephalopathy. Last evaluated: 2026-01-06. Review status: criteria provided, single submitter. Criteria: Invitae Variant Classification Sherloc (09022015). Collection method: clinical testing. Allele origin: germline.

Ambry Genetics
Classification: Uncertain significance. Last evaluated: 2025-10-15. Review status: criteria provided, single submitter. Criteria: Ambry Variant Classification Scheme 2023. Collection method: clinical testing. Allele origin: germline.

PreventionGenetics, part of Exact Sciences
Classification: Likely benign for FASN-related condition. Last evaluated: 2022-04-12. Review status: no assertion criteria provided. Collection method: clinical testing. Allele origin: germline. Not counted in ClinVar's aggregate classification.
Comment: This variant is classified as likely benign based on ACMG/AMP sequence variant interpretation guidelines (Richards et al. 2015 PMID: 25741868, with internal and published modifications).

NM_004104.5(FASN):c.5412T>A (p.Ser1804Arg)

Gene: FASN (fatty acid synthase; minus strand). Cytogenetic location: 17q25.3.
Variant type: single nucleotide variant.
Coding change: c.5412T>A on transcript NM_004104.5 (MANE Select); coding-DNA position 5412, T replaced by A.
Protein change: p.Ser1804Arg; replaces serine 1804 with arginine.
Molecular consequence: missense variant.
Genome position (GRCh38, 1-based): chr17:82,083,355, A>T on the plus strand (T>A on the coding strand, the complement: FASN is on the minus strand). VCF-style: chr17-82083355-A-T. GRCh37 (hg19) VCF-style: chr17-80041231-A-T.
Other names: short protein forms S1804R.
Identifiers: ClinVar variation 531176 (VCV000531176.15), dbSNP rs140221463, ClinGen allele CA8851695.